The following is an entry in ClinVar:

ClinVar aggregate classification (germline): Uncertain significance. Review status: criteria provided, multiple submitters, no conflicts (2 of 4 stars). 6 submissions from 6 submitters: Uncertain significance (6). Last evaluated 2024-09-11.

Conditions:
3M syndrome 1. Also called: 3-M Syndrome, CUL7-Related. Identifiers: Orphanet 2616, MedGen C2678312, MONDO:0010117, OMIM 273750.
Growth delay. Also called: Growth retardation. Identifiers: MedGen C0456070, HP:0001510.
Short stature. Identifiers: MedGen C0349588, HP:0004322.

Allele frequency attached by ClinVar (database versions not stated): gnomAD 0.00050 and 0.00053; ESP Exome Variant Server 0.00062; gnomAD exomes 0.00063 and 0.00039; 1000 Genomes Project 30x 0.00016; 1000 Genomes Project 0.00020; TOPMed 0.00038; ExAC 0.00048.
gnomAD v4.1: 977 of 1,614,206 alleles (0.061%); highest among the groups gnomAD compares: Non-Finnish European, 0.08%; 1 homozygote.

Submissions (6):

Blueprint Genetics
Classification: Uncertain significance. Last evaluated: 2024-09-11. Review status: criteria provided, single submitter. Criteria: ACMG Guidelines, 2015. Collection method: clinical testing. Allele origin: germline.

Women's Health and Genetics/Laboratory Corporation of America, LabCorp
Classification: Uncertain significance. Last evaluated: 2024-01-09. Review status: criteria provided, single submitter. Criteria: LabCorp Variant Classification Summary - May 2015. Collection method: clinical testing. Allele origin: germline.
Comment: Variant summary: CUL7 c.2563A>G (p.Lys855Glu) results in a conservative amino acid change located in the APC10/DOC domain (IPR004939) of the encoded protein sequence. Four of five in-silico tools predict a benign effect of the variant on protein function. The variant allele was found at a frequency of 0.00061 in 1614206 control chromosomes in the gnomAD database, including 1 homozygote. This frequency is not significantly higher than estimated for a pathogenic variant in CUL7 causing Three M Syndrome 1 (0.00061 vs 0.0011), allowing no conclusion about variant significance. To our knowledge, no occurrence of c.2563A>G in individuals affected with Three M Syndrome 1 and no experimental evidence demonstrating its impact on protein function have been reported. ClinVar contains an entry for this variant (Variation ID: 194090). Based on the evidence outlined above, the variant was classified as uncertain significance.

Labcorp Genetics (formerly Invitae), Labcorp
Classification: Uncertain significance. Last evaluated: 2024-01-08. Review status: criteria provided, single submitter. Criteria: Invitae Variant Classification Sherloc (09022015). Collection method: clinical testing. Allele origin: germline.
Comment: This sequence change replaces lysine, which is basic and polar, with glutamic acid, which is acidic and polar, at codon 855 of the CUL7 protein (p.Lys855Glu). This variant is present in population databases (rs140218677, gnomAD 0.09%), and has an allele count higher than expected for a pathogenic variant. This variant has not been reported in the literature in individuals affected with CUL7-related conditions. ClinVar contains an entry for this variant (Variation ID: 194090). Advanced modeling of protein sequence and biophysical properties (such as structural, functional, and spatial information, amino acid conservation, physicochemical variation, residue mobility, and thermodynamic stability) has been performed at Invitae for this missense variant, however the output from this modeling did not meet the statistical confidence thresholds required to predict the impact of this variant on CUL7 protein function. In summary, the available evidence is currently insufficient to determine the role of this variant in disease. Therefore, it has been classified as a Variant of Uncertain Significance.

Knight Diagnostic Laboratories, Oregon Health and Sciences University
Classification: Uncertain significance for Short stature; Growth delay. Last evaluated: 2019-07-08. Review status: criteria provided, single submitter. Criteria: ACMG Guidelines, 2015. Collection method: clinical testing. Allele origin: germline. Observed: 1 variant allele.

Illumina Laboratory Services, Illumina
Classification: Uncertain significance for 3M syndrome 1. Last evaluated: 2018-01-13. Review status: criteria provided, single submitter. Criteria: ICSL Variant Classification Criteria 13 December 2019. Collection method: clinical testing. Allele origin: germline.

Eurofins Ntd Llc (ga)
Classification: Uncertain significance. Last evaluated: 2017-10-04. Review status: criteria provided, single submitter. Criteria: EGL Classification Definitions 2015. Collection method: clinical testing. Allele origin: germline. Observed: 2 variant alleles, 2 heterozygotes.

NM_014780.5(CUL7):c.2563A>G (p.Lys855Glu)

Gene: CUL7 (cullin 7; minus strand). Cytogenetic location: 6p21.1.
Variant type: single nucleotide variant.
Coding change: c.2563A>G on transcript NM_014780.5 (MANE Select); coding-DNA position 2563, A replaced by G.
Protein change: p.Lys855Glu; replaces lysine 855 with glutamic acid.
Molecular consequence: missense variant.
Genome position (GRCh38, 1-based): chr6:43,046,333, T>C on the plus strand (A>G on the coding strand, the complement: CUL7 is on the minus strand). VCF-style: chr6-43046333-T-C. GRCh37 (hg19) VCF-style: chr6-43014071-T-C.
Other names: c.2659A>G, p.Lys887Glu (NM_001168370.2, NM_001374872.1); c.2563A>G, p.Lys855Glu (NM_001374873.1, NM_001374874.1); short protein forms K855E, K887E.
Identifiers: ClinVar variation 194090 (VCV000194090.15), dbSNP rs140218677, ClinGen allele CA239898.